The following is an entry in ClinVar:

ClinVar aggregate classification (germline): Uncertain significance (1 of 4 stars; one submission).

Submission:

Ambry Genetics
Classification: Uncertain significance. Last evaluated: 2026-03-14. Review status: criteria provided, single submitter. Criteria: Ambry Variant Classification Scheme 2023. Collection method: clinical testing. Allele origin: germline.
Comment: The p.S383I variant (also known as c.1148G>T), located in coding exon 2 of the CDK12 gene, results from a G to T substitution at nucleotide position 1148. The serine at codon 383 is replaced by isoleucine, an amino acid with dissimilar properties. This amino acid position is conserved. In addition, the in silico prediction for this alteration is inconclusive. Based on the available evidence, the clinical significance of this variant remains unclear.

NM_016507.4(CDK12):c.1148G>T (p.Ser383Ile)

Gene: CDK12 (cyclin dependent kinase 12; plus strand). Cytogenetic location: 17q12.
Variant type: single nucleotide variant.
Coding change: c.1148G>T on transcript NM_016507.4 (MANE Select); coding-DNA position 1148, G replaced by T.
Protein change: p.Ser383Ile; replaces serine 383 with isoleucine.
Molecular consequence: missense variant.
Genome position (GRCh38, 1-based): chr17:39,470,980, G>T. VCF-style: chr17-39470980-G-T. GRCh37 (hg19) VCF-style: chr17-37627233-G-T.
Other names: c.1148G>T, p.Ser383Ile (NM_015083.4); short protein forms S383I.
Identifiers: ClinVar variation 4825973 (VCV004825973.1).
Genomic context (GRCh38, chr17:39,470,980, plus strand): 5'-CAAGACATTCATCTTCTCATAGTAAAAAGAAGAGATCCAGTTCACGCAGTCGTCATTCCA[G>T]TATCTCACCTGTCAGGCTTCCACTTAATTCCAGTCTGGGAGCTGAACTCAGTAGGAAAAA-3'
Protein context (NP_057591.2, residues 373-393): KRSSSRSRHS[Ser383Ile]ISPVRLPLNS